The following is an entry in ClinVar:

ClinVar aggregate classification (germline): Pathogenic. Review status: criteria provided, multiple submitters, no conflicts (2 of 4 stars). 2 submissions from 2 submitters: Pathogenic (2). Last evaluated 2024-02-23.

Submissions (2):

Labcorp Genetics (formerly Invitae), Labcorp
Classification: Pathogenic. Last evaluated: 2024-02-23. Review status: criteria provided, single submitter. Criteria: Invitae Variant Classification Sherloc (09022015). Collection method: clinical testing. Allele origin: germline.
Comment: This sequence change affects an acceptor splice site in intron 20 of the ERCC6 gene. While this variant is not anticipated to result in nonsense mediated decay, it likely alters RNA splicing and results in a disrupted protein product. This variant is not present in population databases (gnomAD no frequency). Disruption of this splice site has been observed in individuals with Cockayne syndrome (PMID: 19894250, 29572252). ClinVar contains an entry for this variant (Variation ID: 452964). Variants that disrupt the consensus splice site are a relatively common cause of aberrant splicing (PMID: 17576681, 9536098). Algorithms developed to predict the effect of sequence changes on RNA splicing suggest that this variant may disrupt the consensus splice site. For these reasons, this variant has been classified as Pathogenic.

GeneDx
Classification: Pathogenic. Last evaluated: 2017-10-30. Review status: criteria provided, single submitter. Criteria: GeneDx Variant Classification (06012015). Collection method: clinical testing. Allele origin: germline. Affected: yes.
Comment: The c.4063-2A>C variant in the ERCC6 gene has not been reported previously as a pathogenic variant nor as a benign variant, to our knowledge. This splice site variant destroys the canonical splice acceptor site in intron 20. It is predicted to cause abnormal gene splicing, either leading to an abnormal message that is subject to nonsense-mediated mRNA decay, or to an abnormal protein product if the message is used for protein translation. Another variant within this same splice acceptor site, c.4063-1G>C, has been reported in association with Cockayne syndrome (Laugel et al., 2010). The c.4063-2A>C variant is not observed in large population cohorts (Lek et al., 2016). We interpret c.4063-2A>C as a pathogenic variant.

Literature cited by the submitters: PubMed 19894250 (cited by Labcorp Genetics (formerly Invitae), Labcorp); PubMed 29572252 (cited by Labcorp Genetics (formerly Invitae), Labcorp); PubMed 17576681 (cited by Labcorp Genetics (formerly Invitae), Labcorp); PubMed 9536098 (cited by Labcorp Genetics (formerly Invitae), Labcorp).

NM_000124.4(ERCC6):c.4063-2A>C

Gene: ERCC6 (ERCC excision repair 6, chromatin remodeling factor; minus strand). Cytogenetic location: 10q11.23.
Variant type: single nucleotide variant.
Coding change: c.4063-2A>C on transcript NM_000124.4 (MANE Select); the canonical splice acceptor site of the intron before coding-DNA position 4063, A replaced by C.
Molecular consequence: splice acceptor variant.
Genome position (GRCh38, 1-based): chr10:49,459,236, T>G on the plus strand (A>C on the coding strand, the complement: ERCC6 is on the minus strand). VCF-style: chr10-49459236-T-G. GRCh37 (hg19) VCF-style: chr10-50667282-T-G.
Other names: c.4063-2A>C (NM_001346440.2).
Identifiers: ClinVar variation 452964 (VCV000452964.4), dbSNP rs1554873833, ClinGen allele CA376704883.